The following is an entry in ClinVar:

NM_006206.6(PDGFRA):c.2544C>A (p.Asn848Lys)

Gene: PDGFRA (platelet derived growth factor receptor alpha; plus strand). Cytogenetic location: 4q12.
Variant type: single nucleotide variant.
Coding change: c.2544C>A on transcript NM_006206.6 (MANE Select); coding-DNA position 2544, C replaced by A.
Protein change: p.Asn848Lys; replaces asparagine 848 with lysine.
Molecular consequence: missense variant.
Genome position (GRCh38, 1-based): chr4:54,285,945, C>A. VCF-style: chr4-54285945-C-A. GRCh37 (hg19) VCF-style: chr4-55152112-C-A.
Other names: c.2619C>A, p.Asn873Lys (NM_001347828.2); c.2544C>A, p.Asn848Lys (NM_001347829.2); c.2583C>A, p.Asn861Lys (NM_001347830.2); short protein forms N861K, N848K, N873K.
Identifiers: ClinVar variation 3646920 (VCV003646920.2).

ClinVar aggregate classification (germline): Uncertain significance (1 of 4 stars; one submission).

Conditions:
Gastrointestinal stromal tumor. Also called: Gastrointestinal stromal tumor, somatic; Gastrointestinal stroma tumor. Identifiers: Orphanet 44890, MedGen C0238198, MeSH D046152, MONDO:0011719, OMIM 606764, HP:0100723.

Submission:

Labcorp Genetics (formerly Invitae), Labcorp
Classification: Uncertain significance for Gastrointestinal stromal tumor. Last evaluated: 2024-03-20. Review status: criteria provided, single submitter. Criteria: Invitae Variant Classification Sherloc (09022015). Collection method: clinical testing. Allele origin: germline.
Comment: This sequence change replaces asparagine, which is neutral and polar, with lysine, which is basic and polar, at codon 848 of the PDGFRA protein (p.Asn848Lys). This variant is not present in population databases (gnomAD no frequency). This variant has not been reported in the literature in individuals affected with PDGFRA-related conditions. Advanced modeling of protein sequence and biophysical properties (such as structural, functional, and spatial information, amino acid conservation, physicochemical variation, residue mobility, and thermodynamic stability) has been performed at Invitae for this missense variant, however the output from this modeling did not meet the statistical confidence thresholds required to predict the impact of this variant on PDGFRA protein function. In summary, the available evidence is currently insufficient to determine the role of this variant in disease. Therefore, it has been classified as a Variant of Uncertain Significance.